The following is an entry in ClinVar:

ClinVar aggregate classification (germline): Pathogenic (1 of 4 stars; one submission).

Conditions:
Baller-Gerold syndrome (BGS). Also called: CRANIOSYNOSTOSIS WITH RADIAL DEFECTS. Identifiers: Orphanet 1225, MedGen C0265308, MONDO:0009039, OMIM 218600.

Submission:

Labcorp Genetics (formerly Invitae), Labcorp
Classification: Pathogenic for Baller-Gerold syndrome. Last evaluated: 2022-12-30. Review status: criteria provided, single submitter. Criteria: Invitae Variant Classification Sherloc (09022015). Collection method: clinical testing. Allele origin: unknown.
Comment: For these reasons, this variant has been classified as Pathogenic. This variant disrupts a region of the RECQL4 protein in which other variant(s) (p.Arg1021Trp) have been determined to be pathogenic (PMID: 15897384, 15964893, 23899764, 24635570). This suggests that this is a clinically significant region of the protein, and that variants that disrupt it are likely to be disease-causing. This variant has not been reported in the literature in individuals affected with RECQL4-related conditions. This variant results in the deletion of part of exon 17 and part of exon 18 (c.3005_3103del) of the RECQL4 gene. This variant would be expected to be in-frame, preserving the integrity of the reading frame.

Literature cited by the submitters: PubMed 15897384; PubMed 15964893; PubMed 23899764; PubMed 24635570.

NC_000008.10:g.(?_145737660)_(145737825_?)del

Gene: RECQL4 (RecQ like helicase 4; minus strand). Cytogenetic location: 8q24.3.
Variant type: Deletion.
Identifiers: ClinVar variation 3245488 (VCV003245488.1).